The following is an entry in ClinVar:

NM_001029883.3(PCARE):c.1607A>G (p.Gln536Arg)

Gene: PCARE (photoreceptor cilium actin regulator; minus strand). Cytogenetic location: 2p23.2.
Variant type: single nucleotide variant.
Coding change: c.1607A>G on transcript NM_001029883.3 (MANE Select); coding-DNA position 1607, A replaced by G.
Protein change: p.Gln536Arg; replaces glutamine 536 with arginine.
Molecular consequence: missense variant.
Genome position (GRCh38, 1-based): chr2:29,072,655, T>C on the plus strand (A>G on the coding strand, the complement: PCARE is on the minus strand). VCF-style: chr2-29072655-T-C. GRCh37 (hg19) VCF-style: chr2-29295521-T-C.
Other names: short protein forms Q536R.
Identifiers: ClinVar variation 2115854 (VCV002115854.4), dbSNP rs2465277168, ClinGen allele CA346479309.

ClinVar aggregate classification (germline): Uncertain significance (1 of 4 stars; one submission).

Submission:

Labcorp Genetics (formerly Invitae), Labcorp
Classification: Uncertain significance. Last evaluated: 2022-05-27. Review status: criteria provided, single submitter. Criteria: Invitae Variant Classification Sherloc (09022015). Collection method: clinical testing. Allele origin: germline.
Comment: In summary, the available evidence is currently insufficient to determine the role of this variant in disease. Therefore, it has been classified as a Variant of Uncertain Significance. Algorithms developed to predict the effect of missense changes on protein structure and function are either unavailable or do not agree on the potential impact of this missense change (SIFT: "Deleterious"; PolyPhen-2: "Probably Damaging"; Align-GVGD: "Class C0"). This variant has not been reported in the literature in individuals affected with PCARE-related conditions. This variant is not present in population databases (gnomAD no frequency). This sequence change replaces glutamine, which is neutral and polar, with arginine, which is basic and polar, at codon 536 of the PCARE protein (p.Gln536Arg).